The following is an entry in ClinVar:

NC_000016.9:g.(?_89815047)_(89828450_?)del

Gene: FANCA (FA complementation group A; minus strand). Cytogenetic location: 16q24.3.
Variant type: Deletion.
Identifiers: ClinVar variation 3243265 (VCV003243265.1).

ClinVar aggregate classification (germline): Pathogenic (1 of 4 stars; one submission).

Conditions:
Fanconi anemia (FA). Also called: Fanconi's anemia. Identifiers: Orphanet 84, MedGen C0015625, MeSH D005199, MONDO:0019391.

Submission:

Labcorp Genetics (formerly Invitae), Labcorp
Classification: Pathogenic for Fanconi anemia. Last evaluated: 2023-12-05. Review status: criteria provided, single submitter. Criteria: Invitae Variant Classification Sherloc (09022015). Collection method: clinical testing. Allele origin: unknown.
Comment: This variant is a gross deletion of the genomic region encompassing exon(s) 29-33 of the FANCA gene. This variant would be expected to be in-frame, preserving the integrity of the reading frame. A similar copy number variant has been observed in individual(s) with Fanconi anemia (PMID: 10094191). This variant is also known as 2779‚Äì3348del. This variant disrupts a region of the FANCA protein in which other variant(s) (p.Arg1055Trp) have been determined to be pathogenic (PMID: 9929978, 10094191, 15523645, 19367192). This suggests that this is a clinically significant region of the protein, and that variants that disrupt it are likely to be disease-causing. For these reasons, this variant has been classified as Pathogenic.

Literature cited by the submitters: PubMed 10094191; PubMed 9929978; PubMed 15523645; PubMed 19367192.